The following is an entry in ClinVar:

ClinVar aggregate classification (germline): Uncertain significance (1 of 4 stars; one submission).

Conditions:
Emery-Dreifuss muscular dystrophy 5, autosomal dominant (EDMD5). Also called: EMERY-DREIFUSS MUSCULAR DYSTROPHY 5. Identifiers: Orphanet 261, MedGen C2751805, MONDO:0013072, OMIM 612999.

Submission:

Labcorp Genetics (formerly Invitae), Labcorp
Classification: Uncertain significance for Emery-Dreifuss muscular dystrophy 5, autosomal dominant. Last evaluated: 2022-03-18. Review status: criteria provided, single submitter. Criteria: Invitae Variant Classification Sherloc (09022015). Collection method: clinical testing. Allele origin: germline.
Comment: This sequence change replaces leucine, which is neutral and non-polar, with methionine, which is neutral and non-polar, at codon 3642 of the SYNE2 protein (p.Leu3642Met). This variant is not present in population databases (gnomAD no frequency). In summary, the available evidence is currently insufficient to determine the role of this variant in disease. Therefore, it has been classified as a Variant of Uncertain Significance. Algorithms developed to predict the effect of missense changes on protein structure and function are either unavailable or do not agree on the potential impact of this missense change (SIFT: "Tolerated"; PolyPhen-2: "Probably Damaging"; Align-GVGD: "Class C0"). ClinVar contains an entry for this variant (Variation ID: 659908). This variant has not been reported in the literature in individuals affected with SYNE2-related conditions.

NM_182914.3(SYNE2):c.10924C>A (p.Leu3642Met)

Gene: SYNE2 (spectrin repeat containing nuclear envelope protein 2; plus strand). Cytogenetic location: 14q23.2.
Variant type: single nucleotide variant.
Coding change: c.10924C>A on transcript NM_182914.3 (MANE Select); coding-DNA position 10924, C replaced by A.
Protein change: p.Leu3642Met; replaces leucine 3642 with methionine.
Molecular consequence: missense variant.
Genome position (GRCh38, 1-based): chr14:64,076,002, C>A. VCF-style: chr14-64076002-C-A. GRCh37 (hg19) VCF-style: chr14-64542720-C-A.
Other names: c.10924C>A, p.Leu3642Met (NM_015180.6); short protein forms L3642M.
Identifiers: ClinVar variation 659908 (VCV000659908.8), dbSNP rs1595351833, ClinGen allele CA389938503.